The following is an entry in ClinVar:

ClinVar aggregate classification (germline): Benign. Review status: criteria provided, multiple submitters, no conflicts (2 of 4 stars). 2 submissions from 2 submitters: Benign (2). Last evaluated 2018-01-12.

Conditions:
Pseudohypoaldosteronism type 2C (PHA2C). Also called: Pseudohypoaldosteronism Type IIC. Identifiers: Orphanet 757, Orphanet 88940, MedGen C1840391, MONDO:0013778, OMIM 614492.

Allele frequency attached by ClinVar (database versions not stated): 1000 Genomes Project 0.00539; 1000 Genomes Project 30x 0.00578; TOPMed 0.00849; gnomAD 0.01068 and 0.01124.

Submissions (2):

Illumina Laboratory Services, Illumina
Classification: Benign for Pseudohypoaldosteronism type 2C. Last evaluated: 2018-01-12. Review status: criteria provided, single submitter. Criteria: ICSL Variant Classification Criteria 13 December 2019. Collection method: clinical testing. Allele origin: germline.
Comment: This variant was observed in the ICSL laboratory as part of a predisposition screen in an ostensibly healthy population. It had not been previously curated by ICSL or reported in the Human Gene Mutation Database (HGMD: prior to June 1st, 2018), and was therefore a candidate for classification through an automated scoring system. Utilizing variant allele frequency, disease prevalence and penetrance estimates, and inheritance mode, an automated score was calculated to assess if this variant is too frequent to cause the disease. Based on the score and internal cut-off values, a variant classified as benign is not then subjected to further curation. The score for this variant resulted in a classification of benign for this disease.

Breakthrough Genomics
Classification: Benign. Review status: criteria provided, single submitter. Criteria: ACMG Guidelines, 2015. Collection method: not provided. Allele origin: germline. Inheritance: Autosomal recessive inheritance. Affected: yes.

NM_018979.4(WNK1):c.*1034T>C

Gene: WNK1 (WNK lysine deficient protein kinase 1; plus strand). Cytogenetic location: 12p13.33.
Variant type: single nucleotide variant.
Coding change: c.*1034T>C on transcript NM_018979.4 (MANE Select); 1034 bases downstream of the stop codon, T replaced by C.
Molecular consequence: 3 prime UTR variant.
Genome position (GRCh38, 1-based): chr12:909,826, T>C. VCF-style: chr12-909826-T-C. GRCh37 (hg19) VCF-style: chr12-1018992-T-C.
Other names: c.*1034T>C (NM_001184985.2, NM_014823.3, NM_213655.5).
Identifiers: ClinVar variation 306684 (VCV000306684.6), dbSNP rs112549606, ClinGen allele CA10633681.